The following is an entry in ClinVar:

ClinVar aggregate classification (germline): Benign/Likely benign. Review status: criteria provided, multiple submitters, no conflicts (2 of 4 stars). 18 submissions from 18 submitters: Benign (2); Likely benign (10). 6 of the submissions do not count toward it. Last evaluated 2026-10-15.

Conditions:
Inherited breast cancer and ovarian cancer.
PALB2-related disorder. Also called: PALB2-related disorders; PALB2-related condition.
Hereditary cancer-predisposing syndrome. Also called: Hereditary neoplastic syndrome; Neoplastic Syndromes, Hereditary; Tumor predisposition; Hereditary Cancer Syndrome. Identifiers: Orphanet 140162, MedGen C0027672, MeSH D009386, MONDO:0015356.
Familial cancer of breast. Also called: hereditary breast carcinoma; BREAST CANCER, FAMILIAL; Hereditary breast cancer. Identifiers: Orphanet 227535, MedGen C0346153, MONDO:0016419, OMIM 114480. Disease mechanism: loss of function.

Allele frequency attached by ClinVar (database versions not stated): gnomAD exomes 0.00001; ExAC 0.00002; TOPMed 0.00006; gnomAD 0.00007 and 0.00009.
gnomAD v4.1: 40 of 1,614,134 alleles (0.0025%); highest among the groups gnomAD compares: African/African-American, 0.013%; no homozygotes.

Submissions (18):

Cambridge Genomics Laboratory, East Genomic Laboratory Hub, NHS Genomic Medicine Service
Classification: Likely benign for Inherited breast cancer and ovarian cancer. Last evaluated: 2026-10-15. Review status: criteria provided, single submitter. Criteria: ACGS Best Practice Guidelines for Variant Classification in Rare Disease 2020. Collection method: clinical testing. Allele origin: germline. Affected: yes.
Comment: BS1_Strong,BP4,BP7

Labcorp Genetics (formerly Invitae), Labcorp
Classification: Benign for Familial cancer of breast. Last evaluated: 2026-02-01. Review status: criteria provided, single submitter. Criteria: Invitae Variant Classification Sherloc (09022015). Collection method: clinical testing. Allele origin: germline.

Quest Diagnostics Nichols Institute San Juan Capistrano
Classification: Likely benign. Last evaluated: 2025-02-26. Review status: criteria provided, single submitter. Criteria: Quest Diagnostics criteria. Collection method: clinical testing. Allele origin: unknown.

Blueprint Genetics
Classification: Likely benign. Last evaluated: 2024-11-25. Review status: criteria provided, single submitter. Criteria: ACMG Guidelines, 2015. Collection method: clinical testing. Allele origin: germline.

Ambry Genetics
Classification: Likely benign for Hereditary cancer-predisposing syndrome. Last evaluated: 2024-03-25. Review status: criteria provided, single submitter. Criteria: Ambry Variant Classification Scheme 2023. Collection method: clinical testing. Allele origin: germline.

Myriad Genetics, Inc.
Classification: Benign for Familial cancer of breast. Last evaluated: 2023-04-03. Review status: criteria provided, single submitter. Criteria: Myriad Autosomal Dominant, Autosomal Recessive and X-Linked Classification Criteria (2023). Collection method: clinical testing. Allele origin: unknown.
Comment: This variant is considered benign. This variant is a silent/synonymous amino acid change and it is not expected to impact splicing.

Sema4
Classification: Likely benign for Hereditary cancer-predisposing syndrome. Last evaluated: 2020-08-11. Review status: criteria provided, single submitter. Criteria: Sema4 Curation Guidelines. Collection method: curation. Allele origin: germline.

Women's Health and Genetics/Laboratory Corporation of America, LabCorp
Classification: Likely benign. Last evaluated: 2020-06-20. Review status: criteria provided, single submitter. Criteria: LabCorp Variant Classification Summary - May 2015. Collection method: clinical testing. Allele origin: germline.

GeneDx
Classification: Likely benign. Last evaluated: 2020-04-23. Review status: criteria provided, single submitter. Criteria: GeneDx Variant Classification Process June 2021. Collection method: clinical testing. Allele origin: germline. Affected: yes.
Comment: This variant is associated with the following publications: (PMID: 26283626, 23448497, 28664506, 23935836)

Genetic Services Laboratory, University of Chicago
Classification: Likely benign. Last evaluated: 2018-11-07. Review status: criteria provided, single submitter. Criteria: ACMG Guidelines, 2015. Collection method: clinical testing. Allele origin: germline. Affected: no.

Color Diagnostics, LLC DBA Color Health
Classification: Likely benign for Hereditary cancer-predisposing syndrome. Last evaluated: 2016-04-27. Review status: criteria provided, single submitter. Criteria: ACMG Guidelines, 2015. Collection method: clinical testing. Allele origin: germline.

Cancer Genetics Laboratory, Peter MacCallum Cancer Centre
Classification: Likely benign for Familial cancer of breast. Last evaluated: 2015-06-01. Review status: criteria provided, single submitter. Criteria: Thompson et al. (Breast Cancer Res. 2015). Collection method: case-control. Allele origin: germline. Affected: yes. Observed: 2 variant alleles, 2 heterozygotes.

PreventionGenetics, part of Exact Sciences
Classification: Likely benign for PALB2-related condition. Last evaluated: 2022-11-11. Review status: no assertion criteria provided. Collection method: clinical testing. Allele origin: germline. Not counted in ClinVar's aggregate classification.
Comment: This variant is classified as likely benign based on ACMG/AMP sequence variant interpretation guidelines (Richards et al. 2015 PMID: 25741868, with internal and published modifications).

Leiden Open Variation Database
Classification: Likely benign for Familial cancer of breast. Last evaluated: 2019-05-13. Review status: no assertion criteria provided. Collection method: curation. Allele origin: germline. Affected: yes. Not counted in ClinVar's aggregate classification.
Comment: Curators: Marc Tischkowitz, Arleen D. Auerbach. Submitter to LOVD: Marc Tischkowitz.

Counsyl
Classification: Likely benign for Familial cancer of breast. Last evaluated: 2018-05-04. Review status: no assertion criteria provided. Collection method: clinical testing. Allele origin: unknown. Not counted in ClinVar's aggregate classification.

Clinical Genetics Laboratory, Department of Pathology, Netherlands Cancer Institute
Classification: Likely benign. Review status: no assertion criteria provided. Collection method: clinical testing. Allele origin: germline. Affected: yes. Study: VKGL Data-share Consensus. Not counted in ClinVar's aggregate classification.

Diagnostic Laboratory, Department of Genetics, University Medical Center Groningen
Classification: Likely benign. Review status: no assertion criteria provided. Collection method: clinical testing. Allele origin: germline. Affected: yes. Study: VKGL Data-share Consensus. Not counted in ClinVar's aggregate classification.

Joint Genome Diagnostic Labs from Nijmegen and Maastricht, Radboudumc and MUMC+
Classification: Likely benign. Review status: no assertion criteria provided. Collection method: clinical testing. Allele origin: germline. Affected: yes. Study: VKGL Data-share Consensus. Not counted in ClinVar's aggregate classification.

Literature cited by the submitters: PubMed 23935836 (cited by 3 submitters); PubMed 23448497 (cited by Quest Diagnostics Nichols Institute San Juan Capistrano and Leiden Open Variation Database); PubMed 26283626 (cited by Quest Diagnostics Nichols Institute San Juan Capistrano and Counsyl); PubMed 28664506 (cited by Quest Diagnostics Nichols Institute San Juan Capistrano and Counsyl).

NM_024675.4(PALB2):c.1431C>T (p.Thr477=)

Gene: PALB2 (partner and localizer of BRCA2; minus strand). Cytogenetic location: 16p12.2.
Variant type: single nucleotide variant.
Coding change: c.1431C>T on transcript NM_024675.4 (MANE Select); coding-DNA position 1431, C replaced by T.
Protein change: p.Thr477=; no amino-acid change (threonine 477 retained).
Molecular consequence: synonymous variant.
Genome position (GRCh38, 1-based): chr16:23,635,115, G>A on the plus strand (C>T on the coding strand, the complement: PALB2 is on the minus strand). VCF-style: chr16-23635115-G-A. GRCh37 (hg19) VCF-style: chr16-23646436-G-A.
Identifiers: ClinVar variation 126602 (VCV000126602.44), dbSNP rs515726068, ClinGen allele CA331791.